The following is an entry in ClinVar:

NM_001009944.3(PKD1):c.4512C>T (p.Asp1504=)

Gene: PKD1 (polycystin 1, transient receptor potential channel interacting; minus strand). Cytogenetic location: 16p13.3.
Variant type: single nucleotide variant.
Coding change: c.4512C>T on transcript NM_001009944.3 (MANE Select); coding-DNA position 4512, C replaced by T.
Protein change: p.Asp1504=; no amino-acid change (aspartic acid 1504 retained).
Molecular consequence: synonymous variant.
Genome position (GRCh38, 1-based): chr16:2,110,655, G>A on the plus strand (C>T on the coding strand, the complement: PKD1 is on the minus strand). VCF-style: chr16-2110655-G-A. GRCh37 (hg19) VCF-style: chr16-2160656-G-A.
Other names: c.4512C>T (NM_001009944.2); c.4512C>T, p.Asp1504= (NM_000296.4).
Identifiers: ClinVar variation 995157 (VCV000995157.5), dbSNP rs774929658, ClinGen allele CA7832349.

ClinVar aggregate classification (germline): Likely benign. Review status: criteria provided, multiple submitters, no conflicts (2 of 4 stars). 4 submissions from 4 submitters: Likely benign (2). 2 of the submissions do not count toward it. Last evaluated 2024-04-05.

Conditions:
Polycystic kidney disease. Also called: Polycystic kidney dysplasia; Kidney, Polycystic. Identifiers: MedGen C0022680, MeSH D007690, MONDO:0020642, HP:0000113.
PKD1-related disorder. Also called: PKD1-related condition.

Allele frequency attached by ClinVar (database versions not stated): gnomAD exomes 0.00008; TOPMed 0.00008; ExAC 0.00009.
gnomAD v4.1: 102 of 1,609,830 alleles (0.0063%); highest among the groups gnomAD compares: Middle Eastern, 0.045%; no homozygotes.

Submissions (4):

Blueprint Genetics
Classification: Likely benign. Last evaluated: 2024-04-05. Review status: criteria provided, single submitter. Criteria: ACMG Guidelines, 2015. Collection method: clinical testing. Allele origin: germline.

Athena Diagnostics
Classification: Likely benign. Last evaluated: 2020-01-28. Review status: criteria provided, single submitter. Criteria: Athena Diagnostics Criteria. Collection method: clinical testing. Allele origin: unknown.

PreventionGenetics, part of Exact Sciences
Classification: Likely benign for PKD1-related condition. Last evaluated: 2023-02-03. Review status: no assertion criteria provided. Collection method: clinical testing. Allele origin: germline. Not counted in ClinVar's aggregate classification.
Comment: This variant is classified as likely benign based on ACMG/AMP sequence variant interpretation guidelines (Richards et al. 2015 PMID: 25741868, with internal and published modifications).

Department of Pathology and Laboratory Medicine, Sinai Health System
Classification: Likely benign for Polycystic Kidney disease. Review status: no assertion criteria provided. Collection method: clinical testing. Allele origin: unknown. Affected: yes. Study: The Canadian Open Genetics Repository (COGR). Not counted in ClinVar's aggregate classification.
Comment: The PKD1 p.Asp1504= variant was not identified in the literature nor was it identified in the ClinVar, ADPKD Mutation Database or PKD1-LOVD databases. It was identified in dbSNP (ID: rs774929658) as "NA". The variant was also identified in control databases in 22 of 275338 chromosomes at a frequency of 0.00008 (Genome Aggregation Database Feb 27, 2017), observed in the following populations: African in 1 of 23824 chromosomes (freq: 0.00004), Other in 1 of 6426 chromosomes (freq: 0.00016), Latino in 2 of 34400 chromosomes (freq: 0.00006), European in 13 of 125284 chromosomes (freq: 0.0001), Ashkenazi Jewish in 1 of 10078 chromosomes (freq: 0.0001), Finnish in 2 of 25720 chromosomes (freq: 0.00008), and South Asian in 2 of 30772 chromosomes (freq: 0.00007), while not observed in the East Asian population. In addition, we cannot be certain that data from control databases is specific to PKD1 and not from one of the six PKD1 pseudogenes. The p.Asp1504= variant is not expected to have clinical significance because it does not result in a change of amino acid and is not located in a known consensus splice site. The variant occurs outside of the splicing consensus sequence and in silico or computational prediction software programs (SpliceSiteFinder, MaxEntScan, NNSPLICE, GeneSplicer) do not predict a difference in splicing. In summary, based on the above information, the clinical significance of this variant cannot be determined with certainty at this time, although we would lean towards a more benign role for this variant. This variant is classified as likely benign.